The following is an entry in ClinVar:

NM_018036.7(ATG2B):c.5139+9C>T

Gene: ATG2B (autophagy related 2B; minus strand). Cytogenetic location: 14q32.2.
Variant type: single nucleotide variant.
Coding change: c.5139+9C>T on transcript NM_018036.7 (MANE Select); 9 bases into the intron after coding-DNA position 5139, C replaced by T.
Molecular consequence: intron variant.
Genome position (GRCh38, 1-based): chr14:96,301,998, G>A on the plus strand (C>T on the coding strand, the complement: ATG2B is on the minus strand). VCF-style: chr14-96301998-G-A. GRCh37 (hg19) VCF-style: chr14-96768335-G-A.
Identifiers: ClinVar variation 789063 (VCV000789063.7), dbSNP rs150538996, ClinGen allele CA7335724.

ClinVar aggregate classification (germline): Benign. Review status: criteria provided, single submitter (1 of 4 stars). 3 submissions from 3 submitters: Benign (1). 2 of the submissions do not count toward it. Last evaluated 2018-04-16.

Conditions:
ATG2B-related disorder. Also called: ATG2B-related condition.

Allele frequency attached by ClinVar (database versions not stated): TOPMed 0.00696; gnomAD exomes 0.00053 and 0.00145; ExAC 0.00177; 1000 Genomes Project 30x 0.00515; 1000 Genomes Project 0.00519; gnomAD 0.00625 and 0.00671; ESP Exome Variant Server 0.00638.
gnomAD v4.1: 1,732 of 1,605,280 alleles (0.11%); highest among the groups gnomAD compares: African/African-American, 2.1%; 19 homozygotes.

Submissions (3):

Labcorp Genetics (formerly Invitae), Labcorp
Classification: Benign. Last evaluated: 2018-04-16. Review status: criteria provided, single submitter. Criteria: Invitae Variant Classification Sherloc (09022015). Collection method: clinical testing. Allele origin: germline.

Genetic Services Laboratory, University of Chicago
Classification: Benign. Last evaluated: 2022-05-23. Review status: no assertion criteria provided. Collection method: clinical testing. Allele origin: germline. Affected: no. Not counted in ClinVar's aggregate classification.

PreventionGenetics, part of Exact Sciences
Classification: Benign for ATG2B-related condition. Last evaluated: 2019-06-06. Review status: no assertion criteria provided. Collection method: clinical testing. Allele origin: germline. Not counted in ClinVar's aggregate classification.
Comment: This variant is classified as benign based on ACMG/AMP sequence variant interpretation guidelines (Richards et al. 2015 PMID: 25741868, with internal and published modifications).